The following is an entry in ClinVar:

ClinVar aggregate classification (germline): Uncertain significance. Review status: criteria provided, multiple submitters, no conflicts (2 of 4 stars). 2 submissions from 2 submitters: Uncertain significance (2). Last evaluated 2023-08-25.

Conditions:
Cardiovascular phenotype. Identifiers: MedGen CN230736.
Alstrom syndrome (ALMS). Identifiers: Orphanet 64, MedGen C0268425, MONDO:0008763, OMIM 203800.

Allele frequency attached by ClinVar (database versions not stated): gnomAD exomes below 0.00001.
gnomAD v4.1: 1 of 1,614,102 alleles (0.000062%); highest among the groups gnomAD compares: Admixed American, 0.0017%; no homozygotes.

Submissions (2):

Ambry Genetics
Classification: Uncertain significance for Cardiovascular phenotype. Last evaluated: 2023-08-25. Review status: criteria provided, single submitter. Criteria: Ambry Variant Classification Scheme 2023. Collection method: clinical testing. Allele origin: germline.
Comment: The p.G2552E variant (also known as c.7655G>A), located in coding exon 9 of the ALMS1 gene, results from a G to A substitution at nucleotide position 7655. The glycine at codon 2552 is replaced by glutamic acid, an amino acid with similar properties. This amino acid position is well conserved in available vertebrate species. In addition, this alteration is predicted to be tolerated by in silico analysis. Since supporting evidence is limited at this time, the clinical significance of this alteration remains unclear.

Labcorp Genetics (formerly Invitae), Labcorp
Classification: Uncertain significance for Alstrom syndrome. Last evaluated: 2022-04-17. Review status: criteria provided, single submitter. Criteria: Invitae Variant Classification Sherloc (09022015). Collection method: clinical testing. Allele origin: germline.
Comment: This sequence change replaces glycine, which is neutral and non-polar, with glutamic acid, which is acidic and polar, at codon 2552 of the ALMS1 protein (p.Gly2552Glu). This variant is not present in population databases (gnomAD no frequency). This variant has not been reported in the literature in individuals affected with ALMS1-related conditions. Experimental studies and prediction algorithms are not available or were not evaluated, and the functional significance of this variant is currently unknown. In summary, the available evidence is currently insufficient to determine the role of this variant in disease. Therefore, it has been classified as a Variant of Uncertain Significance.

NM_001378454.1(ALMS1):c.7652G>A (p.Gly2551Glu)

Gene: ALMS1 (ALMS1 centrosome and basal body associated protein; plus strand). Cytogenetic location: 2p13.1.
Variant type: single nucleotide variant.
Coding change: c.7652G>A on transcript NM_001378454.1 (MANE Select); coding-DNA position 7652, G replaced by A.
Protein change: p.Gly2551Glu; replaces glycine 2551 with glutamic acid.
Molecular consequence: missense variant.
Genome position (GRCh38, 1-based): chr2:73,455,273, G>A. VCF-style: chr2-73455273-G-A. GRCh37 (hg19) VCF-style: chr2-73682400-G-A.
Other names: c.7655G>A, p.Gly2552Glu (NM_015120.4); short protein forms G2552E, G2551E.
Identifiers: ClinVar variation 1948990 (VCV001948990.4), dbSNP rs894791034, ClinGen allele CA50399812.
Genomic context (GRCh38, chr2:73,455,273, plus strand): 5'-AATTAAATGAAGATGACAGGAGGAAAGTAGAAGAGATCAAGGCAGAGTTATTTGGTCATG[G>A]AAGAACAACTGACTTGTCCAAGGTATAAAAGAAATCTGGAAATGAAGAAAGTAAATATGA-3'
Protein context (NP_001365383.1, residues 2541-2561): EEIKAELFGH[Gly2551Glu]RTTDLSKGLQ